The following is an entry in ClinVar:

ClinVar aggregate classification (germline): Uncertain significance (1 of 4 stars; one submission).

Conditions:
Neutral lipid storage myopathy (NLSDM). Also called: NEUTRAL LIPID STORAGE DISEASE WITHOUT ICHTHYOSIS. Identifiers: Orphanet 98908, MedGen C1853136, MONDO:0012545, OMIM 610717.

Submission:

Labcorp Genetics (formerly Invitae), Labcorp
Classification: Uncertain significance for Neutral lipid storage myopathy. Last evaluated: 2022-10-13. Review status: criteria provided, single submitter. Criteria: Invitae Variant Classification Sherloc (09022015). Collection method: clinical testing. Allele origin: germline.
Comment: In summary, the available evidence is currently insufficient to determine the role of this variant in disease. Therefore, it has been classified as a Variant of Uncertain Significance. Experimental studies and prediction algorithms are not available or were not evaluated, and the functional significance of this variant is currently unknown. This variant has not been reported in the literature in individuals affected with PNPLA2-related conditions. This variant is present in population databases (no rsID available, gnomAD 0.01%). This variant, c.1042_1044del, results in the deletion of 1 amino acid(s) of the PNPLA2 protein (p.Phe348del), but otherwise preserves the integrity of the reading frame.

NM_020376.4(PNPLA2):c.1042_1044del (p.Phe348del)

Gene: PNPLA2 (patatin like domain 2, triacylglycerol lipase; plus strand). Cytogenetic location: 11p15.5.
Variant type: Deletion.
Coding change: c.1042_1044del on transcript NM_020376.4 (MANE Select); coding-DNA positions 1042 to 1044, 3 bases deleted (TTC; older notation c.1042_1044delTTC).
Protein change: p.Phe348del; deletes phenylalanine 348.
Molecular consequence: inframe deletion.
Genome position (GRCh38, 1-based): chr11:824,120-824,122, TTC deleted; deleting any 3 consecutive bases within chr11:824,119-824,122 gives the same sequence; the c. name uses the placement nearest the transcript's 3' end. VCF-style (leftmost placement, unchanged base first): chr11-824118-CCTT-C. GRCh37 (hg19) VCF-style: chr11-824118-CCTT-C.
Other names: short protein forms F348del.
Identifiers: ClinVar variation 2087875 (VCV002087875.4), dbSNP rs1365885268, ClinGen allele CA597022481.